The following is an entry in ClinVar:

NM_004064.5(CDKN1B):c.163G>A (p.Ala55Thr)

Gene: CDKN1B (cyclin dependent kinase inhibitor 1B; plus strand). Cytogenetic location: 12p13.1.
Variant type: single nucleotide variant.
Coding change: c.163G>A on transcript NM_004064.5 (MANE Select); coding-DNA position 163, G replaced by A.
Protein change: p.Ala55Thr; replaces alanine 55 with threonine.
Molecular consequence: missense variant.
Genome position (GRCh38, 1-based): chr12:12,718,002, G>A. VCF-style: chr12-12718002-G-A. GRCh37 (hg19) VCF-style: chr12-12870936-G-A.
Other names: short protein forms A55T.
Identifiers: ClinVar variation 404276 (VCV000404276.19), dbSNP rs759665516, ClinGen allele CA6457398.
Genomic context (GRCh38, chr12:12,718,002, plus strand): 5'-CCGGTGGACCACGAAGAGTTAACCCGGGACTTGGAGAAGCACTGCAGAGACATGGAAGAG[G>A]CGAGCCAGCGCAAGTGGAATTTCGATTTTCAGAATCACAAACCCCTAGAGGGCAAGTACG-3'
Protein context (NP_004055.1, residues 45-65): LEKHCRDMEE[Ala55Thr]SQRKWNFDFQ

ClinVar aggregate classification (germline): Conflicting classifications of pathogenicity. Review status: criteria provided, conflicting classifications (1 of 4 stars). 5 submissions from 5 submitters: Uncertain significance (4); Benign (1). Last evaluated 2026-07-07.

Conditions:
CDKN1B-related disorder. Also called: CDKN1B-related condition.
Hereditary cancer-predisposing syndrome. Also called: Neoplastic Syndromes, Hereditary; Tumor predisposition; Hereditary Cancer Syndrome; Hereditary neoplastic syndrome. Identifiers: Orphanet 140162, MedGen C0027672, MeSH D009386, MONDO:0015356.
Multiple endocrine neoplasia type 4. Also called: MULTIPLE ENDOCRINE NEOPLASIA, TYPE IV. Identifiers: Orphanet 276152, MedGen C1970712, MONDO:0012552, OMIM 610755.

Allele frequency attached by ClinVar (database versions not stated): gnomAD exomes 0.00001 and 0.00004; gnomAD 0.00004; TOPMed 0.00005; ExAC 0.00008.

Submissions (5):

PreventionGenetics, part of Exact Sciences
Classification: Uncertain significance for CDKN1B-related condition. Last evaluated: 2026-07-07. Review status: criteria provided, single submitter. Criteria: ACMG Guidelines, 2015. Collection method: clinical testing. Allele origin: germline.
Comment: The CDKN1B c.163G>A variant is predicted to result in the amino acid substitution p.Ala55Thr. This variant was reported in an individual with multiple endocrine neoplasia 1 (Belar et al 2012. PubMed ID: 22026581). This variant is reported in 0.028% of alleles in individuals of Latino descent in gnomAD and has been interpreted in ClinVar as uncertain and likely benign (Variation ID: 404276). At this time, the clinical significance of this variant is uncertain due to the absence of conclusive functional and genetic evidence.

Labcorp Genetics (formerly Invitae), Labcorp
Classification: Uncertain significance for Multiple endocrine neoplasia type 4. Last evaluated: 2026-01-10. Review status: criteria provided, single submitter. Criteria: Invitae Variant Classification Sherloc (09022015). Collection method: clinical testing. Allele origin: germline.
Comment: This sequence change replaces alanine, which is neutral and non-polar, with threonine, which is neutral and polar, at codon 55 of the CDKN1B protein (p.Ala55Thr). This variant is present in population databases (rs759665516, gnomAD 0.03%). This missense change has been observed in individual(s) with Zollinger-Ellison syndrome (gastrinoma), hepatic metastasis and primary hyperparathyroidism (PMID: 22026581). ClinVar contains an entry for this variant (Variation ID: 404276). An algorithm developed to predict the effect of missense changes on protein structure and function (PolyPhen-2) suggests that this variant is likely to be disruptive. In summary, the available evidence is currently insufficient to determine the role of this variant in disease. Therefore, it has been classified as a Variant of Uncertain Significance.

Quest Diagnostics Nichols Institute San Juan Capistrano
Classification: Uncertain significance. Last evaluated: 2025-07-02. Review status: criteria provided, single submitter. Criteria: Quest Diagnostics criteria. Collection method: clinical testing. Allele origin: unknown.
Comment: The CDKN1B c.163G>A (p.Ala55Thr) variant has been reported in the published literature in an individual with MEN1 syndrome (PMID: 22026581 (2012)). The frequency of this variant in the general population (Genome Aggregation Database) is higher than would generally be expected for pathogenic variants in this gene. Analysis of this variant using bioinformatics tools for the prediction of the effect of amino acid changes on protein structure and function yielded predictions that this variant is damaging. Based on the available information, we are unable to determine the clinical significance of this variant.

Dasa
Classification: Uncertain significance. Last evaluated: 2024-12-18. Review status: criteria provided, single submitter. Criteria: DASA Assertion Criteria. Collection method: clinical testing. Allele origin: germline.
Comment: NM_004064.5(CDKN1B):c.163G>A (p.Ala55Thr) is a missense variant that results in the substitution of alanine with threonine. This variant is rare in population databases. The currently available literature and clinical evidence are not sufficient to establish a definitive association between this variant and the reported condition. Therefore, this variant is classified as a variant of uncertain significance.

Ambry Genetics
Classification: Benign for Hereditary cancer-predisposing syndrome. Last evaluated: 2022-03-15. Review status: criteria provided, single submitter. Criteria: Ambry Variant Classification Scheme 2023. Collection method: clinical testing. Allele origin: germline.

Literature cited by the submitters: PubMed 22026581 (cited by 3 submitters).